The following is an entry in ClinVar:

ClinVar aggregate classification (germline): Conflicting classifications of pathogenicity. Review status: criteria provided, conflicting classifications (1 of 4 stars). 6 submissions from 6 submitters: Uncertain significance (3); Likely benign (3). Last evaluated 2026-08-26.

Conditions:
Cardiomyopathy (CMYO). Also called: Cardiomyopathies. Identifiers: Orphanet 167848, MedGen C0878544, MONDO:0004994, HP:0001638. Inheritance: Various modes of inheritance.
Cardiovascular phenotype. Identifiers: MedGen CN230736.
Hypertrophic cardiomyopathy. Also called: HYPERTROPHIC MYOCARDIOPATHY. Identifiers: Orphanet 217569, MedGen C0007194, MeSH D002312, MONDO:0005045, HP:0001639.

Allele frequency attached by ClinVar (database versions not stated): gnomAD exomes 0.00001; TOPMed 0.00002; gnomAD 0.00003.
gnomAD v4.1: 15 of 1,614,034 alleles (0.00093%); highest among the groups gnomAD compares: Admixed American, 0.015%; 1 homozygote.

Submissions (6):

Ambry Genetics
Classification: Uncertain significance for Cardiovascular phenotype. Last evaluated: 2026-08-26. Review status: criteria provided, single submitter. Criteria: Ambry Variant Classification Scheme 2023. Collection method: clinical testing. Allele origin: germline.
Comment: The c.2922+3A>G intronic variant results from an A to G substitution 3 nucleotides after coding exon 21 in the MYH7 gene. This nucleotide position is poorly conserved in available vertebrate species. In silico splice site analysis predicts that this alteration will not have any significant effect on splicing. Based on the available evidence, the clinical significance of this variant remains unclear.

Revvity Omics, Revvity
Classification: Uncertain significance. Last evaluated: 2025-05-27. Review status: criteria provided, single submitter. Criteria: ACMG Guidelines, 2015. Collection method: clinical testing. Allele origin: germline.

Mayo Clinic Laboratories, Mayo Clinic
Classification: Likely benign. Last evaluated: 2025-04-17. Review status: criteria provided, single submitter. Criteria: ACMG Guidelines, 2015. Collection method: clinical testing. Allele origin: germline. Observed: 1 variant allele.
Comment: BP4, BP7

Labcorp Genetics (formerly Invitae), Labcorp
Classification: Uncertain significance for Hypertrophic cardiomyopathy. Last evaluated: 2024-11-04. Review status: criteria provided, single submitter. Criteria: Invitae Variant Classification Sherloc (09022015). Collection method: clinical testing. Allele origin: germline.
Comment: This sequence change falls in intron 23 of the MYH7 gene. It does not directly change the encoded amino acid sequence of the MYH7 protein. It affects a nucleotide within the consensus splice site. This variant is present in population databases (no rsID available, gnomAD 0.01%). This variant has not been reported in the literature in individuals affected with MYH7-related conditions. ClinVar contains an entry for this variant (Variation ID: 518180). Variants that disrupt the consensus splice site are a relatively common cause of aberrant splicing (PMID: 17576681, 9536098). Algorithms developed to predict the effect of sequence changes on RNA splicing suggest that this variant is not likely to affect RNA splicing. In summary, the available evidence is currently insufficient to determine the role of this variant in disease. Therefore, it has been classified as a Variant of Uncertain Significance.

Color Diagnostics, LLC DBA Color Health
Classification: Likely benign for Cardiomyopathy. Last evaluated: 2018-11-27. Review status: criteria provided, single submitter. Criteria: ACMG Guidelines, 2015. Collection method: clinical testing. Allele origin: germline.

GeneDx
Classification: Likely benign. Last evaluated: 2017-06-28. Review status: criteria provided, single submitter. Criteria: GeneDx Variant Classification (06012015). Collection method: clinical testing. Allele origin: germline. Affected: yes.
Comment: This variant is considered likely benign or benign based on one or more of the following criteria: it is a conservative change, it occurs at a poorly conserved position in the protein, it is predicted to be benign by multiple in silico algorithms, and/or has population frequency not consistent with disease.

Literature cited by the submitters: PubMed 17576681 (cited by Labcorp Genetics (formerly Invitae), Labcorp); PubMed 9536098 (cited by Labcorp Genetics (formerly Invitae), Labcorp).

NM_000257.4(MYH7):c.2922+3A>G

Gene: MYH7 (myosin heavy chain 7; minus strand). Cytogenetic location: 14q11.2.
Variant type: single nucleotide variant.
Coding change: c.2922+3A>G on transcript NM_000257.4 (MANE Select); 3 bases into the intron after coding-DNA position 2922, A replaced by G.
Molecular consequence: intron variant.
Genome position (GRCh38, 1-based): chr14:23,423,904, T>C on the plus strand (A>G on the coding strand, the complement: MYH7 is on the minus strand). VCF-style: chr14-23423904-T-C. GRCh37 (hg19) VCF-style: chr14-23893113-T-C.
Other names: p.?; c.2922+3A>G (LRG_384t1).
Identifiers: ClinVar variation 518180 (VCV000518180.10), dbSNP rs1227114881, ClinGen allele CA613317723.